The following is an entry in ClinVar:

ClinVar aggregate classification (germline): Uncertain significance. Review status: criteria provided, multiple submitters, no conflicts (2 of 4 stars). 2 submissions from 2 submitters: Uncertain significance (2). Last evaluated 2026-02-03.

Conditions:
Hereditary cancer-predisposing syndrome. Also called: Tumor predisposition; Neoplastic Syndromes, Hereditary; Hereditary neoplastic syndrome; Hereditary Cancer Syndrome. Identifiers: Orphanet 140162, MedGen C0027672, MeSH D009386, MONDO:0015356.
Neurofibromatosis, type 2 (SWNV). Also called: NF2-Related Schwannomatosis; BILATERAL ACOUSTIC NEUROFIBROMATOSIS; SCHWANNOMATOSIS, VESTIBULAR. Identifiers: Orphanet 637, MedGen C0027832, MONDO:0007039, OMIM 101000. Disease mechanism: loss of function.

Allele frequency attached by ClinVar (database versions not stated): gnomAD exomes below 0.00001.
gnomAD v4.1: 2 of 1,614,240 alleles (0.00012%); highest among the groups gnomAD compares: Non-Finnish European, 0.00017%; no homozygotes.

Submissions (2):

Labcorp Genetics (formerly Invitae), Labcorp
Classification: Uncertain significance for Neurofibromatosis, type 2. Last evaluated: 2026-02-03. Review status: criteria provided, single submitter. Criteria: Invitae Variant Classification Sherloc (09022015). Collection method: clinical testing. Allele origin: germline.
Comment: This sequence change replaces leucine, which is neutral and non-polar, with glutamine, which is neutral and polar, at codon 250 of the NF2 protein (p.Leu250Gln). This variant is present in population databases (no rsID available, gnomAD 0.0009%). This variant has not been reported in the literature in individuals affected with NF2-related conditions. ClinVar contains an entry for this variant (Variation ID: 577903). Invitae Evidence Modeling of protein sequence and biophysical properties (such as structural, functional, and spatial information, amino acid conservation, physicochemical variation, residue mobility, and thermodynamic stability) indicates that this missense variant is not expected to disrupt NF2 protein function with a negative predictive value of 80%. In summary, the available evidence is currently insufficient to determine the role of this variant in disease. Therefore, it has been classified as a Variant of Uncertain Significance.

Ambry Genetics
Classification: Uncertain significance for Hereditary cancer-predisposing syndrome. Last evaluated: 2024-04-07. Review status: criteria provided, single submitter. Criteria: Ambry Variant Classification Scheme 2023. Collection method: clinical testing. Allele origin: germline.
Comment: The p.L250Q variant (also known as c.749T>A), located in coding exon 8 of the NF2 gene, results from a T to A substitution at nucleotide position 749. The leucine at codon 250 is replaced by glutamine, an amino acid with dissimilar properties. This amino acid position is conserved. In addition, this alteration is predicted to be deleterious by in silico analysis. Since supporting evidence is limited at this time, the clinical significance of this alteration remains unclear.

NM_000268.4(NF2):c.749T>A (p.Leu250Gln)

Gene: NF2 (NF2, moesin-ezrin-radixin like (MERLIN) tumor suppressor; plus strand). Cytogenetic location: 22q12.2.
Variant type: single nucleotide variant.
Coding change: c.749T>A on transcript NM_000268.4 (MANE Select); coding-DNA position 749, T replaced by A.
Protein change: p.Leu250Gln; replaces leucine 250 with glutamine.
Molecular consequence: missense variant. On other transcripts: non-coding transcript variant (1), intron variant (1).
Genome position (GRCh38, 1-based): chr22:29,661,278, T>A. VCF-style: chr22-29661278-T-A. GRCh37 (hg19) VCF-style: chr22-30057267-T-A.
Other names: c.749T>A, p.Leu250Gln (NM_016418.5, NM_181825.3, NM_181832.3); c.623T>A, p.Leu208Gln (NM_181828.3); c.626T>A, p.Leu209Gln (NM_181829.3); c.500T>A, p.Leu167Gln (NM_181830.3, NM_181831.3); c.447+18993T>A (NM_181833.3); short protein forms L250Q, L208Q, L167Q, L209Q.
Identifiers: ClinVar variation 577903 (VCV000577903.12), dbSNP rs1432132718, ClinGen allele CA411143890.